The following is an entry in ClinVar:

NM_001042492.3(NF1):c.1415T>G (p.Val472Gly)

Gene: NF1 (neurofibromin 1; plus strand). Cytogenetic location: 17q11.2.
Variant type: single nucleotide variant.
Coding change: c.1415T>G on transcript NM_001042492.3 (MANE Select); coding-DNA position 1415, T replaced by G.
Protein change: p.Val472Gly; replaces valine 472 with glycine.
Molecular consequence: missense variant.
Genome position (GRCh38, 1-based): chr17:31,214,473, T>G. VCF-style: chr17-31214473-T-G. GRCh37 (hg19) VCF-style: chr17-29541491-T-G.
Other names: c.1415T>G, p.Val472Gly (NM_000267.4, NM_001128147.3); short protein forms V472G.
Identifiers: ClinVar variation 5025529 (VCV005025529.1).
Genomic context (GRCh38, chr17:31,214,473, plus strand): 5'-GTCTTATGTCTGATACCATGTTTTTGTTTTGTTTTTAGAGTCTTACATTTAAAGAAAAAG[T>G]AACAAGCCTTAAATTTAAAGAAAAACCTACAGACCTGGAGACAAGAAGCTATAAGTATCT-3'
Protein context (NP_001035957.1, residues 462-482): MAPSLTFKEK[Val472Gly]TSLKFKEKPT

ClinVar aggregate classification (germline): Uncertain significance (1 of 4 stars; one submission).

Conditions:
Cardiovascular phenotype. Identifiers: MedGen CN230736.
Hereditary cancer-predisposing syndrome. Also called: Neoplastic Syndromes, Hereditary; Tumor predisposition; Hereditary neoplastic syndrome; Hereditary Cancer Syndrome. Identifiers: Orphanet 140162, MedGen C0027672, MeSH D009386, MONDO:0015356.

Submission:

Ambry Genetics
Classification: Uncertain significance for Cardiovascular phenotype; Hereditary cancer-predisposing syndrome. Last evaluated: 2026-06-15. Review status: criteria provided, single submitter. Criteria: Ambry Variant Classification Scheme 2023. Collection method: clinical testing. Allele origin: germline.
Comment: The p.V472G variant (also known as c.1415T>G), located in coding exon 13 of the NF1 gene, results from a T to G substitution at nucleotide position 1415. The valine at codon 472 is replaced by glycine, an amino acid with dissimilar properties. This amino acid position is conserved. In addition, this alteration is predicted to be tolerated by in silico analysis. Based on the available evidence, the clinical significance of this variant remains unclear.